The following is an entry in ClinVar:

ClinVar aggregate classification (germline): Uncertain significance (1 of 4 stars; one submission).

gnomAD v4.1: 1 of 1,529,568 alleles (0.000065%); highest among the groups gnomAD compares: Non-Finnish European, 0.00009%; no homozygotes.

Submission:

Labcorp Genetics (formerly Invitae), Labcorp
Classification: Uncertain significance. Last evaluated: 2022-07-23. Review status: criteria provided, single submitter. Criteria: Invitae Variant Classification Sherloc (09022015). Collection method: clinical testing. Allele origin: germline.
Comment: In summary, the available evidence is currently insufficient to determine the role of this variant in disease. Therefore, it has been classified as a Variant of Uncertain Significance. Algorithms developed to predict the effect of missense changes on protein structure and function (SIFT, PolyPhen-2, Align-GVGD) all suggest that this variant is likely to be tolerated. This variant has not been reported in the literature in individuals affected with IFT74-related conditions. This variant is not present in population databases (gnomAD no frequency). This sequence change replaces histidine, which is basic and polar, with leucine, which is neutral and non-polar, at codon 367 of the IFT74 protein (p.His367Leu).

NM_025103.4(IFT74):c.1100A>T (p.His367Leu)

Gene: IFT74 (intraflagellar transport 74; plus strand). Cytogenetic location: 9p21.2.
Variant type: single nucleotide variant.
Coding change: c.1100A>T on transcript NM_025103.4 (MANE Select); coding-DNA position 1100, A replaced by T.
Protein change: p.His367Leu; replaces histidine 367 with leucine.
Molecular consequence: missense variant.
Genome position (GRCh38, 1-based): chr9:27,044,787, A>T. VCF-style: chr9-27044787-A-T. GRCh37 (hg19) VCF-style: chr9-27044785-A-T.
Other names: c.1100A>T, p.His367Leu (NM_001099222.3, NM_001099223.3, NM_001349928.2); short protein forms H367L.
Identifiers: ClinVar variation 1973844 (VCV001973844.5), dbSNP rs768620623, ClinGen allele CA373124366.
Genomic context (GRCh38, chr9:27,044,787, plus strand): 5'-TTATATCTCTCATAGGTGAAATGAACCAGAAATACAAGGAGCTAAAGAAAAGGGAGGAAC[A>T]TATGGACAGTAAGTGATATTCTTGTAGATATAAAAATATAATATTTTCAGATTGCTGTTC-3'
Protein context (NP_079379.2, residues 357-377): KYKELKKREE[His367Leu]MDTFIETFEE